The following is an entry in ClinVar:

NM_012073.5(CCT5):c.1356C>T (p.Ala452=)

Gene: CCT5 (chaperonin containing TCP1 subunit 5; plus strand). Cytogenetic location: 5p15.2.
Variant type: single nucleotide variant.
Coding change: c.1356C>T on transcript NM_012073.5 (MANE Select); coding-DNA position 1356, C replaced by T.
Protein change: p.Ala452=; no amino-acid change (alanine 452 retained).
Molecular consequence: synonymous variant.
Genome position (GRCh38, 1-based): chr5:10,263,172, C>T. VCF-style: chr5-10263172-C-T. GRCh37 (hg19) VCF-style: chr5-10263284-C-T.
Other names: c.1293C>T, p.Ala431= (NM_001306153.1); c.1191C>T, p.Ala397= (NM_001306154.2); c.1077C>T, p.Ala359= (NM_001306155.2); c.1242C>T, p.Ala414= (NM_001306156.2); c.1356C>T (NM_012073.4).
Identifiers: ClinVar variation 2073344 (VCV002073344.6), dbSNP rs373992745, ClinGen allele CA3198352.

ClinVar aggregate classification (germline): Likely benign. Review status: criteria provided, single submitter (1 of 4 stars). 2 submissions from 2 submitters: Likely benign (1). 1 of the submissions does not count toward it. Last evaluated 2022-09-27.

Conditions:
CCT5-related disorder. Also called: CCT5-related condition.
Hereditary sensory and autonomic neuropathy with spastic paraplegia (HSNSP). Identifiers: Orphanet 139578, MedGen C1850395, MONDO:0009748, OMIM 256840.

Allele frequency attached by ClinVar (database versions not stated): ExAC 0.00002; gnomAD exomes 0.00002; gnomAD 0.00004; TOPMed 0.00005; ESP Exome Variant Server 0.00008.
gnomAD v4.1: 41 of 1,614,024 alleles (0.0025%); highest among the groups gnomAD compares: African/African-American, 0.0053%; no homozygotes.

Submissions (2):

Labcorp Genetics (formerly Invitae), Labcorp
Classification: Likely benign for Hereditary sensory and autonomic neuropathy with spastic paraplegia. Last evaluated: 2022-09-27. Review status: criteria provided, single submitter. Criteria: Invitae Variant Classification Sherloc (09022015). Collection method: clinical testing. Allele origin: germline.

PreventionGenetics, part of Exact Sciences
Classification: Likely benign for CCT5-related condition. Last evaluated: 2019-02-27. Review status: no assertion criteria provided. Collection method: clinical testing. Allele origin: germline. Not counted in ClinVar's aggregate classification.
Comment: This variant is classified as likely benign based on ACMG/AMP sequence variant interpretation guidelines (Richards et al. 2015 PMID: 25741868, with internal and published modifications).